The following is an entry in ClinVar:

NM_003070.5(SMARCA2):c.3446A>G (p.Asn1149Ser)

Gene: SMARCA2 (SWI/SNF related, matrix associated, actin dependent regulator of chromatin, subfamily a, member 2; plus strand). Cytogenetic location: 9p24.3.
Variant type: single nucleotide variant.
Coding change: c.3446A>G on transcript NM_003070.5 (MANE Select); coding-DNA position 3446, A replaced by G.
Protein change: p.Asn1149Ser; replaces asparagine 1149 with serine.
Molecular consequence: missense variant.
Genome position (GRCh38, 1-based): chr9:2,110,407, A>G. VCF-style: chr9-2110407-A-G. GRCh37 (hg19) VCF-style: chr9-2110407-A-G.
Other names: c.3446A>G, p.Asn1149Ser (NM_001289396.2, NM_139045.4); c.3272A>G, p.Asn1091Ser (NM_001289397.2); short protein forms N1149S, N1091S.
Identifiers: ClinVar variation 379917 (VCV000379917.2), dbSNP rs1057520784, ClinGen allele CA16606494.

ClinVar aggregate classification (germline): Pathogenic (1 of 4 stars; one submission).

Submission:

GeneDx
Classification: Pathogenic. Last evaluated: 2016-01-20. Review status: criteria provided, single submitter. Criteria: GeneDx Variant Classification (06012015). Collection method: clinical testing. Allele origin: germline. Affected: yes.
Comment: The N1149S variant in the SMARCA2 gene has not been published as a pathogenic variant, nor has it beenreported as a benign polymorphism to our knowledge. TheN1149S variant was not observed in approximately 6500 individuals of European and AfricanAmerican ancestry in the NHLBI Exome Sequencing Project, indicating it is not a common benignvariant in these populations. Although is a conservative amino acid substitution, it occurs at a positionwithin the Helicase C-terminal domain that is conserved across species, and in silico analysis predictsthis variant is probably damaging to the protein structure/function. Missense variants in nearbyresidues (S1146R and A1156P) have been reported in the Human Gene Mutation Database inassociation with Nicolaides-Baraitser syndrome (Stenson et al., 2014), supporting the functionalimportance of this region of the protein. importance of this region of the protein. Based on thecurrently available information, we interpret N1194S as a pathogenic variant.